The following is an entry in ClinVar:

NM_024334.3(TMEM43):c.86T>C (p.Leu29Pro)

Gene: TMEM43 (transmembrane protein 43; plus strand). Cytogenetic location: 3p25.1.
Variant type: single nucleotide variant.
Coding change: c.86T>C on transcript NM_024334.3 (MANE Select); coding-DNA position 86, T replaced by C.
Protein change: p.Leu29Pro; replaces leucine 29 with proline.
Molecular consequence: missense variant.
Genome position (GRCh38, 1-based): chr3:14,129,485, T>C. VCF-style: chr3-14129485-T-C. GRCh37 (hg19) VCF-style: chr3-14170985-T-C.
Other names: short protein forms L29P.
Identifiers: ClinVar variation 925297 (VCV000925297.5), dbSNP rs1695064359, ClinGen allele CA351534304.

ClinVar aggregate classification (germline): Uncertain significance (1 of 4 stars; one submission).

Conditions:
Cardiomyopathy (CMYO). Also called: Cardiomyopathies. Identifiers: Orphanet 167848, MedGen C0878544, MONDO:0004994, HP:0001638. Inheritance: Various modes of inheritance.

Allele frequency attached by ClinVar (database versions not stated): gnomAD exomes below 0.00001.
gnomAD v4.1: 1 of 1,614,162 alleles (0.000062%); highest among the groups gnomAD compares: East Asian, 0.0022%; no homozygotes.

Submission:

Color Diagnostics, LLC DBA Color Health
Classification: Uncertain significance for Cardiomyopathy. Last evaluated: 2023-12-04. Review status: criteria provided, single submitter. Criteria: ACMG Guidelines, 2015. Collection method: clinical testing. Allele origin: germline.
Comment: This missense variant replaces leucine with proline at codon 29 of the TMEM43 protein. Computational prediction tools and conservation analyses are inconclusive regarding the impact of this variant on protein function. Computational splicing tools suggest that this variant may not impact RNA splicing. To our knowledge, functional assays have not been performed for this variant nor has this variant been reported in individuals affected with cardiovascular disorders in the literature. This variant has not been identified in the general population by the Genome Aggregation Database (gnomAD). Available evidence is insufficient to determine the role of this variant in disease conclusively. Therefore, this variant is classified as a Variant of Uncertain Significance.